The following is an entry in ClinVar:

ClinVar aggregate classification (germline): Uncertain significance (1 of 4 stars; one submission).

Submission:

Labcorp Genetics (formerly Invitae), Labcorp
Classification: Uncertain significance. Last evaluated: 2025-03-19. Review status: criteria provided, single submitter. Criteria: Invitae Variant Classification Sherloc (09022015). Collection method: clinical testing. Allele origin: germline.
Comment: This sequence change replaces leucine, which is neutral and non-polar, with proline, which is neutral and non-polar, at codon 489 of the SLC1A3 protein (p.Leu489Pro). This variant is not present in population databases (gnomAD no frequency). This variant has not been reported in the literature in individuals affected with SLC1A3-related conditions. Invitae Evidence Modeling of protein sequence and biophysical properties (such as structural, functional, and spatial information, amino acid conservation, physicochemical variation, residue mobility, and thermodynamic stability) indicates that this missense variant is not expected to disrupt SLC1A3 protein function with a negative predictive value of 80%. In summary, the available evidence is currently insufficient to determine the role of this variant in disease. Therefore, it has been classified as a Variant of Uncertain Significance.

NM_004172.5(SLC1A3):c.1466T>C (p.Leu489Pro)

Genes: SLC1A3-AS1 (SLC1A3 antisense RNA 1; minus strand), SLC1A3 (solute carrier family 1 member 3; plus strand). Cytogenetic location: 5p13.2.
Variant type: single nucleotide variant.
Coding change: c.1466T>C on transcript NM_004172.5 (MANE Select); coding-DNA position 1466, T replaced by C.
Protein change: p.Leu489Pro; replaces leucine 489 with proline.
Molecular consequence: missense variant.
Genome position (GRCh38, 1-based): chr5:36,686,106, T>C. VCF-style: chr5-36686106-T-C. GRCh37 (hg19) VCF-style: chr5-36686208-T-C.
Other names: c.1331T>C, p.Leu444Pro (NM_001166695.3, NM_001438459.1); c.1328T>C, p.Leu443Pro (NM_001289939.2); c.1130T>C, p.Leu377Pro (NM_001289940.2); c.1466T>C, p.Leu489Pro (NM_001438454.1, NM_001438455.1, NM_001438456.1 and 1 more transcripts); c.1607T>C, p.Leu536Pro (NM_001438458.1); c.1184T>C, p.Leu395Pro (NM_001438460.1); c.1166T>C, p.Leu389Pro (NM_001438461.1); c.1145T>C, p.Leu382Pro (NM_001438462.1); short protein forms L443P, L389P, L489P, L536P, L382P, L395P, L444P, L377P.
Identifiers: ClinVar variation 4742880 (VCV004742880.1).